The following is an entry in ClinVar:

ClinVar aggregate classification (germline): Uncertain significance (1 of 4 stars; one submission).

Conditions:
Breast-ovarian cancer, familial, susceptibility to, 5 (BROVCA5). Identifiers: MedGen C5830615, MONDO:0957530, OMIM 620442.

Submission:

Dasa
Classification: Uncertain significance for Breast-ovarian cancer, familial, susceptibility to, 5. Last evaluated: 2024-12-08. Review status: criteria provided, single submitter. Criteria: DASA Assertion Criteria. Collection method: clinical testing. Allele origin: germline.
Comment: NM_024675.4(PALB2):c.2008G>A (p.Asp670Asn) is a missense variant that results in the substitution of aspartic acid with asparagine. This variant is absent from population databases. The currently available literature and clinical evidence are not sufficient to establish a definitive association between this variant and the reported condition. Therefore, this variant is classified as a variant of uncertain significance.

NM_024675.4(PALB2):c.2008G>A (p.Asp670Asn)

Gene: PALB2 (partner and localizer of BRCA2; minus strand). Cytogenetic location: 16p12.2.
Variant type: single nucleotide variant.
Coding change: c.2008G>A on transcript NM_024675.4 (MANE Select); coding-DNA position 2008, G replaced by A.
Protein change: p.Asp670Asn; replaces aspartic acid 670 with asparagine.
Molecular consequence: missense variant. On other transcripts: intron variant (1).
Genome position (GRCh38, 1-based): chr16:23,630,146, C>T on the plus strand (G>A on the coding strand, the complement: PALB2 is on the minus strand). VCF-style: chr16-23630146-C-T. GRCh37 (hg19) VCF-style: chr16-23641467-C-T.
Other names: c.1948G>A, p.Asp650Asn (NM_001407296.1); c.2008G>A, p.Asp670Asn (NM_001407297.1, NM_001407298.1, NM_001407299.1 and 3 more transcripts); c.1123G>A, p.Asp375Asn (NM_001407304.1, NM_001407305.1, NM_001407306.1 and 5 more transcripts); c.220G>A, p.Asp74Asn (NM_001407312.1, NM_001407313.1); c.49-871G>A (NM_001407314.1); short protein forms D375N, D650N, D670N, D74N.
Identifiers: ClinVar variation 5042660 (VCV005042660.1).